The following is an entry in ClinVar:

ClinVar aggregate classification (germline): Benign. Review status: criteria provided, multiple submitters, no conflicts (2 of 4 stars). 3 submissions from 3 submitters: Benign (2). 1 of the submissions does not count toward it. Last evaluated 2019-12-31.

Conditions:
GPKOW-related disorder. Also called: GPKOW-related condition.

Allele frequency attached by ClinVar (database versions not stated): gnomAD exomes 0.00115; 1000 Genomes Project 0.00371; 1000 Genomes Project 30x 0.00375; ExAC 0.00263; gnomAD 0.00358; TOPMed 0.00415; ESP Exome Variant Server 0.00502.
gnomAD v4.1: 836 of 1,177,469 alleles (0.071%); highest among the groups gnomAD compares: African/African-American, 1.3%; 1 homozygote.

Submissions (3):

Labcorp Genetics (formerly Invitae), Labcorp
Classification: Benign. Last evaluated: 2019-12-31. Review status: criteria provided, single submitter. Criteria: Invitae Variant Classification Sherloc (09022015). Collection method: clinical testing. Allele origin: germline.

Breakthrough Genomics
Classification: Benign. Review status: criteria provided, single submitter. Criteria: ACMG Guidelines, 2015. Collection method: not provided. Allele origin: germline. Inheritance: Unknown mechanism. Affected: yes.

PreventionGenetics, part of Exact Sciences
Classification: Benign for GPKOW-related condition. Last evaluated: 2019-11-25. Review status: no assertion criteria provided. Collection method: clinical testing. Allele origin: germline. Not counted in ClinVar's aggregate classification.
Comment: This variant is classified as benign based on ACMG/AMP sequence variant interpretation guidelines (Richards et al. 2015 PMID: 25741868, with internal and published modifications).

NM_015698.6(GPKOW):c.429G>C (p.Gly143=)

Gene: GPKOW (G-patch domain and KOW motifs; minus strand). Cytogenetic location: Xp11.23.
Variant type: single nucleotide variant.
Coding change: c.429G>C on transcript NM_015698.6 (MANE Select); coding-DNA position 429, G replaced by C.
Protein change: p.Gly143=; no amino-acid change (glycine 143 retained).
Molecular consequence: synonymous variant.
Genome position (GRCh38, 1-based): chrX:49,122,425, C>G on the plus strand (G>C on the coding strand, the complement: GPKOW is on the minus strand). VCF-style: chrX-49122425-C-G. GRCh37 (hg19) VCF-style: chrX-48978775-C-G.
Identifiers: ClinVar variation 731666 (VCV000731666.7), dbSNP rs142444196, ClinGen allele CA10408868.